The following is an entry in ClinVar:

ClinVar aggregate classification (germline): Benign. Review status: criteria provided, multiple submitters, no conflicts (2 of 4 stars). 2 submissions from 2 submitters: Benign (2). Last evaluated 2026-07-01.

Allele frequency attached by ClinVar (database versions not stated): 1000 Genomes Project 0.00479; 1000 Genomes Project 30x 0.00500; TOPMed 0.00716; gnomAD 0.00733 and 0.00745; ExAC 0.00802; gnomAD exomes 0.00813 and 0.00974; ESP Exome Variant Server 0.00846.
gnomAD v4.1: 15,270 of 1,612,250 alleles (0.95%); highest among the groups gnomAD compares: Middle Eastern, 1.2%; 86 homozygotes.

Submissions (2):

CeGaT Center for Human Genetics Tuebingen
Classification: Benign. Last evaluated: 2026-07-01. Review status: criteria provided, single submitter. Criteria: CeGaT Center For Human Genetics Tuebingen Variant Classification Criteria Version 2. Collection method: clinical testing. Allele origin: germline. Affected: yes. Observed: 4 variant alleles.
Comment: PERP: BP4, BP7, BS1, BS2

Labcorp Genetics (formerly Invitae), Labcorp
Classification: Benign. Last evaluated: 2018-08-15. Review status: criteria provided, single submitter. Criteria: Invitae Variant Classification Sherloc (09022015). Collection method: clinical testing. Allele origin: germline.

NM_022121.5(PERP):c.99C>T (p.Arg33=)

Gene: PERP (p53 apoptosis effector related to PMP22; minus strand). Cytogenetic location: 6q23.3.
Variant type: single nucleotide variant.
Coding change: c.99C>T on transcript NM_022121.5 (MANE Select); coding-DNA position 99, C replaced by T.
Protein change: p.Arg33=; no amino-acid change (arginine 33 retained).
Molecular consequence: synonymous variant.
Genome position (GRCh38, 1-based): chr6:138,107,242, G>A on the plus strand (C>T on the coding strand, the complement: PERP is on the minus strand). VCF-style: chr6-138107242-G-A. GRCh37 (hg19) VCF-style: chr6-138428379-G-A.
Identifiers: ClinVar variation 710628 (VCV000710628.10), dbSNP rs145663845, ClinGen allele CA4020002.
Genomic context (GRCh38, chr6:138,107,242, plus strand): 5'-TTGGGAGCATTTCCACCACAGCGAGGACGTCTGGCCGTGGTCGCTAGACTGCAACCAGCC[G>A]CGGCCGGCCAGCGCGATGATGTCGAAGGCGATGGCGCTGAGTAGGAGCAGGGGCAGGATC-3'
Protein context (NP_071404.2, residues 23-43): IAFDIIALAG[Arg33=]GWLQSSDHGQ